The following is an entry in ClinVar:

ClinVar aggregate classification (germline): Uncertain significance. Review status: criteria provided, multiple submitters, no conflicts (2 of 4 stars). 2 submissions from 2 submitters: Uncertain significance (2). Last evaluated 2025-06-01.

Conditions:
Hereditary cancer-predisposing syndrome. Also called: Hereditary Cancer Syndrome; Tumor predisposition; Hereditary neoplastic syndrome; Neoplastic Syndromes, Hereditary. Identifiers: Orphanet 140162, MedGen C0027672, MeSH D009386, MONDO:0015356.

Allele frequency attached by ClinVar (database versions not stated): gnomAD exomes below 0.00001.
gnomAD v4.1: 2 of 1,614,072 alleles (0.00012%); highest among the groups gnomAD compares: East Asian, 0.0045%; no homozygotes.

Submissions (2):

Ambry Genetics
Classification: Uncertain significance for Hereditary cancer-predisposing syndrome. Last evaluated: 2025-06-01. Review status: criteria provided, single submitter. Criteria: Ambry Variant Classification Scheme 2023. Collection method: clinical testing. Allele origin: germline.
Comment: The p.P2233L variant (also known as c.6698C>T), located in coding exon 48 of the POLE gene, results from a C to T substitution at nucleotide position 6698. The proline at codon 2233 is replaced by leucine, an amino acid with similar properties. This amino acid position is conserved. In addition, this alteration is predicted to be tolerated by in silico analysis. Since supporting evidence is limited at this time, the clinical significance of this alteration remains unclear.

Labcorp Genetics (formerly Invitae), Labcorp
Classification: Uncertain significance. Last evaluated: 2022-10-05. Review status: criteria provided, single submitter. Criteria: Invitae Variant Classification Sherloc (09022015). Collection method: clinical testing. Allele origin: germline.
Comment: This sequence change replaces proline, which is neutral and non-polar, with leucine, which is neutral and non-polar, at codon 2233 of the POLE protein (p.Pro2233Leu). This variant is not present in population databases (gnomAD no frequency). This variant has not been reported in the literature in individuals affected with POLE-related conditions. ClinVar contains an entry for this variant (Variation ID: 1054715). Advanced modeling of protein sequence and biophysical properties (such as structural, functional, and spatial information, amino acid conservation, physicochemical variation, residue mobility, and thermodynamic stability) performed at Invitae indicates that this missense variant is not expected to disrupt POLE protein function. In summary, the available evidence is currently insufficient to determine the role of this variant in disease. Therefore, it has been classified as a Variant of Uncertain Significance.

NM_006231.4(POLE):c.6698C>T (p.Pro2233Leu)

Gene: POLE (DNA polymerase epsilon, catalytic subunit; minus strand). Cytogenetic location: 12q24.33.
Variant type: single nucleotide variant.
Coding change: c.6698C>T on transcript NM_006231.4 (MANE Select); coding-DNA position 6698, C replaced by T.
Protein change: p.Pro2233Leu; replaces proline 2233 with leucine.
Molecular consequence: missense variant.
Genome position (GRCh38, 1-based): chr12:132,624,954, G>A on the plus strand (C>T on the coding strand, the complement: POLE is on the minus strand). VCF-style: chr12-132624954-G-A. GRCh37 (hg19) VCF-style: chr12-133201540-G-A.
Other names: short protein forms P2233L.
Identifiers: ClinVar variation 1054715 (VCV001054715.13), dbSNP rs1566307187, ClinGen allele CA387366147.
Genomic context (GRCh38, chr12:132,624,954, plus strand): 5'-GGAGAGCCCACCTGGGTGTGGATGGTGAGGGCGAAGTCTCCCGCGCAGCTGCAGTACACA[G>A]GCATGCTGGTCTCCTTCACCCCGCGGCACTTCAGGCAGACCTGAAAGGGAGCAGCCCCGA-3'
Protein context (NP_006222.2, residues 2223-2243): KCRGVKETSM[Pro2233Leu]VYCSCAGDFA